The following is an entry in ClinVar:

NM_001367624.2(ZNF469):c.5618C>T (p.Ala1873Val)

Gene: ZNF469 (zinc finger protein 469; plus strand). Cytogenetic location: 16q24.2.
Variant type: single nucleotide variant.
Coding change: c.5618C>T on transcript NM_001367624.2 (MANE Select); coding-DNA position 5618, C replaced by T.
Protein change: p.Ala1873Val; replaces alanine 1873 with valine.
Molecular consequence: missense variant.
Genome position (GRCh38, 1-based): chr16:88,433,088, C>T. VCF-style: chr16-88433088-C-T. GRCh37 (hg19) VCF-style: chr16-88499496-C-T.
Other names: short protein forms A1873V.
Identifiers: ClinVar variation 2427866 (VCV002427866.26), dbSNP rs767834641, ClinGen allele CA8225095.
Genomic context (GRCh38, chr16:88,433,088, plus strand): 5'-AGGGTAATGAGTTTGCACCGGCGGGGGCCTCCTCACTGACTGCCCCCCGGGGCAGGGAGG[C>T]TTGGTTGGTCCCTGTGCCAAGTCCCGCCTGTGTATCCAACACCCACCCTAGCAGGAGGTC-3'
Protein context (NP_001354553.1, residues 1863-1883): SSLTAPRGRE[Ala1873Val]WLVPVPSPAC

ClinVar aggregate classification (germline): Uncertain significance. Review status: criteria provided, multiple submitters, no conflicts (2 of 4 stars). 2 submissions from 2 submitters: Uncertain significance (2). Last evaluated 2023-11-01.

Allele frequency attached by ClinVar (database versions not stated): gnomAD 0.00001; ExAC 0.00006.
gnomAD v4.1: 15 of 1,550,164 alleles (0.00097%); highest among the groups gnomAD compares: East Asian, 0.0024%; 1 homozygote.

Submissions (2):

CeGaT Center for Human Genetics Tuebingen
Classification: Uncertain significance. Last evaluated: 2023-11-01. Review status: criteria provided, single submitter. Criteria: CeGaT Center For Human Genetics Tuebingen Variant Classification Criteria Version 2. Collection method: clinical testing. Allele origin: germline. Affected: yes. Observed: 1 variant allele.
Comment: ZNF469: PM2, BP4

Labcorp Genetics (formerly Invitae), Labcorp
Classification: Uncertain significance. Last evaluated: 2022-02-04. Review status: criteria provided, single submitter. Criteria: Invitae Variant Classification Sherloc (09022015). Collection method: clinical testing. Allele origin: germline.
Comment: This sequence change replaces alanine, which is neutral and non-polar, with valine, which is neutral and non-polar, at codon 1845 of the ZNF469 protein (p.Ala1845Val). This variant is present in population databases (rs767834641, gnomAD 0.004%). This variant has not been reported in the literature in individuals affected with ZNF469-related conditions. Algorithms developed to predict the effect of missense changes on protein structure and function (SIFT, PolyPhen-2, Align-GVGD) all suggest that this variant is likely to be tolerated. Algorithms developed to predict the effect of sequence changes on RNA splicing suggest that this variant may create or strengthen a splice site. In summary, the available evidence is currently insufficient to determine the role of this variant in disease. Therefore, it has been classified as a Variant of Uncertain Significance.